The following is an entry in ClinVar:

ClinVar aggregate classification (germline): Likely benign. Review status: criteria provided, multiple submitters, no conflicts (2 of 4 stars). 2 submissions from 2 submitters: Likely benign (2). Last evaluated 2022-10-24.

Conditions:
Episodic kinesigenic dyskinesia (EKD). Also called: Paroxysmal kinesigenic dyskinesia. Identifiers: Orphanet 98809, MedGen C1868682, MONDO:0044202.

Submissions (2):

Labcorp Genetics (formerly Invitae), Labcorp
Classification: Likely benign for Episodic kinesigenic dyskinesia. Last evaluated: 2022-10-24. Review status: criteria provided, single submitter. Criteria: Invitae Variant Classification Sherloc (09022015). Collection method: clinical testing. Allele origin: germline.

GeneDx
Classification: Likely benign. Last evaluated: 2015-11-06. Review status: criteria provided, single submitter. Criteria: GeneDx Variant Classification (06012015). Collection method: clinical testing. Allele origin: germline. Affected: yes.
Comment: This variant is considered likely benign or benign based on one or more of the following criteria: it is a conservative change, it occurs at a poorly conserved position in the protein, it is predicted to be benign by multiple in silico algorithms, and/or has population frequency not consistent with disease.

NM_145239.3(PRRT2):c.87A>G (p.Glu29=)

Genes: MVP-DT (MVP divergent transcript; minus strand), PRRT2 (proline rich transmembrane protein 2; plus strand). Cytogenetic location: 16p11.2.
Variant type: single nucleotide variant.
Coding change: c.87A>G on transcript NM_145239.3 (MANE Select); coding-DNA position 87, A replaced by G.
Protein change: p.Glu29=; no amino-acid change (glutamic acid 29 retained).
Molecular consequence: synonymous variant.
Genome position (GRCh38, 1-based): chr16:29,813,141, A>G. VCF-style: chr16-29813141-A-G. GRCh37 (hg19) VCF-style: chr16-29824462-A-G.
Other names: c.87A>G, p.Glu29= (NM_001256442.2, NM_001256443.2).
Identifiers: ClinVar variation 381356 (VCV000381356.6), dbSNP rs1057521028, ClinGen allele CA16607262.